The following is an entry in ClinVar:

ClinVar aggregate classification (germline): Uncertain significance (1 of 4 stars; one submission).

Allele frequency attached by ClinVar (database versions not stated): gnomAD exomes below 0.00001; TOPMed below 0.00001.
gnomAD v4.1: 1 of 1,614,030 alleles (0.000062%); highest among the groups gnomAD compares: Non-Finnish European, 0.000085%; no homozygotes.

Submission:

Labcorp Genetics (formerly Invitae), Labcorp
Classification: Uncertain significance. Last evaluated: 2023-08-23. Review status: criteria provided, single submitter. Criteria: Invitae Variant Classification Sherloc (09022015). Collection method: clinical testing. Allele origin: germline.
Comment: An algorithm developed to predict the effect of missense changes on protein structure and function (PolyPhen-2) suggests that this variant is likely to be disruptive. Algorithms developed to predict the effect of sequence changes on RNA splicing suggest that this variant may disrupt the consensus splice site. In summary, the available evidence is currently insufficient to determine the role of this variant in disease. Therefore, it has been classified as a Variant of Uncertain Significance. This sequence change replaces aspartic acid, which is acidic and polar, with glycine, which is neutral and non-polar, at codon 437 of the CLCN6 protein (p.Asp437Gly). This variant is not present in population databases (gnomAD no frequency). This variant has not been reported in the literature in individuals affected with CLCN6-related conditions.

NM_001286.5(CLCN6):c.1310A>G (p.Asp437Gly)

Gene: CLCN6 (chloride voltage-gated channel 6; plus strand). Cytogenetic location: 1p36.22.
Variant type: single nucleotide variant.
Coding change: c.1310A>G on transcript NM_001286.5 (MANE Select); coding-DNA position 1310, A replaced by G.
Protein change: p.Asp437Gly; replaces aspartic acid 437 with glycine.
Molecular consequence: missense variant. On other transcripts: non-coding transcript variant (1).
Genome position (GRCh38, 1-based): chr1:11,833,576, A>G. VCF-style: chr1-11833576-A-G. GRCh37 (hg19) VCF-style: chr1-11893633-A-G.
Other names: c.1244A>G, p.Asp415Gly (NM_001256959.2); short protein forms D437G, D415G.
Identifiers: ClinVar variation 2710318 (VCV002710318.3), dbSNP rs1471762566, ClinGen allele CA338434303.
Genomic context (GRCh38, chr1:11,833,576, plus strand): 5'-TCACAGAAGATGTGAATTCAAGTATCAAGACATTTTTTTGTCCCAATGATACCTACAATG[A>G]CATGGCCACACTCTTCTTCAACCCGCAGGAGTCTGCCATCCTCCAGCTCTTCCACCAGGA-3'
Protein context (NP_001277.2, residues 427-447): TFFCPNDTYN[Asp437Gly]MATLFFNPQE